The following is an entry in ClinVar:

ClinVar aggregate classification (germline): Benign/Likely benign. Review status: criteria provided, multiple submitters, no conflicts (2 of 4 stars). 13 submissions from 10 submitters: Benign (8); Likely benign (5). Last evaluated 2026-01-27.

Conditions:
Autosomal recessive limb-girdle muscular dystrophy type 2J (LGMDR10). Also called: Limb-girdle muscular dystrophy, type 2J; MUSCULAR DYSTROPHY, LIMB-GIRDLE, AUTOSOMAL RECESSIVE 10. Identifiers: Orphanet 140922, MedGen C1837342, MONDO:0012127, OMIM 608807.
Dilated cardiomyopathy 1G (CMD1G). Identifiers: Orphanet 154, MedGen C1858763, MONDO:0011400, OMIM 604145.
Early-onset myopathy with fatal cardiomyopathy (CMYO5). Also called: Salih Myopathy; CONGENITAL MYOPATHY 5 WITH CARDIOMYOPATHY. Identifiers: Orphanet 289377, MedGen C2673677, MONDO:0012714, OMIM 611705. Disease mechanism: loss of function.
Myopathy, myofibrillar, 9, with early respiratory failure (MFM9). Also called: Hereditary myopathy with early respiratory failure; EDSTROM MYOPATHY; MYOPATHY, PROXIMAL, WITH EARLY RESPIRATORY MUSCLE INVOLVEMENT; Myopathy, distal, with early respiratory failure, autosomal dominant. Identifiers: Orphanet 178464, Orphanet 34521, MedGen C1863599, MONDO:0011362, OMIM 603689.
Tibial muscular dystrophy (TMD). Also called: UDD MYOPATHY; Udd Distal Myopathy – Tibial Muscular Dystrophy; Tibial muscular dystrophy, tardive. Identifiers: Orphanet 609, MedGen C1838244, MONDO:0010870, OMIM 600334.

Allele frequency attached by ClinVar (database versions not stated): gnomAD exomes 0.00036; ExAC 0.00041; gnomAD 0.00104 and 0.00108; TOPMed 0.00120; 1000 Genomes Project 0.00140; ESP Exome Variant Server 0.00148; 1000 Genomes Project 30x 0.00172.
gnomAD v4.1: 273 of 1,576,980 alleles (0.017%); highest among the groups gnomAD compares: African/African-American, 0.33%; 1 homozygote.

Submissions (13):

Labcorp Genetics (formerly Invitae), Labcorp
Classification: Benign for Dilated cardiomyopathy 1G; Autosomal recessive limb-girdle muscular dystrophy type 2J. Last evaluated: 2026-01-27. Review status: criteria provided, single submitter. Criteria: Invitae Variant Classification Sherloc (09022015). Collection method: clinical testing. Allele origin: germline.

Molecular Diagnostic Laboratory for Inherited Cardiovascular Disease, Montreal Heart Institute
Classification: Likely benign. Last evaluated: 2025-04-09. Review status: criteria provided, single submitter. Criteria: ACMG Guidelines, 2015. Collection method: clinical testing. Allele origin: germline. Affected: no.
Comment: BS1;BP6

Blueprint Genetics
Classification: Likely benign. Last evaluated: 2024-11-11. Review status: criteria provided, single submitter. Criteria: ACMG Guidelines, 2015. Collection method: clinical testing. Allele origin: germline.

Women's Health and Genetics/Laboratory Corporation of America, LabCorp
Classification: Benign. Last evaluated: 2022-08-08. Review status: criteria provided, single submitter. Criteria: LabCorp Variant Classification Summary - May 2015. Collection method: clinical testing. Allele origin: germline.
Comment: Variant summary: TTN c.12323-9A>C alters a nucleotide located close to a canonical splice site and therefore could affect mRNA splicing, leading to a significantly altered protein sequence. 4/4 computational tools predict no significant impact on normal splicing. However, these predictions have yet to be confirmed by functional studies. The variant allele was found at a frequency of 0.00036 in 218472 control chromosomes, predominantly at a frequency of 0.0047 within the African or African-American subpopulation in the gnomAD database. The observed variant frequency within African or African-American control individuals in the gnomAD database is approximately 12 fold of the estimated maximal expected allele frequency for a pathogenic variant in TTN causing Dilated Cardiomyopathy phenotype (0.00039), strongly suggesting that the variant is a benign polymorphism found primarily in populations of African or African-American origin. To our knowledge, no occurrence of c.12323-9A>C in individuals affected with Dilated Cardiomyopathy and no experimental evidence demonstrating its impact on protein function have been reported. Six ClinVar submitters (evaluation after 2014) cite the variant as benign (n=4) and likely benign (n=2). Based on the evidence outlined above, the variant was classified as benign.

Genome-Nilou Lab
Classification: Benign for Autosomal recessive limb-girdle muscular dystrophy type 2J. Last evaluated: 2021-09-10. Review status: criteria provided, single submitter. Criteria: ACMG Guidelines, 2015. Collection method: clinical testing. Allele origin: germline. Affected: no.

Genome-Nilou Lab
Classification: Benign for Myopathy, myofibrillar, 9, with early respiratory failure. Last evaluated: 2021-09-10. Review status: criteria provided, single submitter. Criteria: ACMG Guidelines, 2015. Collection method: clinical testing. Allele origin: germline. Affected: no.

Genome-Nilou Lab
Classification: Benign for Early-onset myopathy with fatal cardiomyopathy. Last evaluated: 2021-09-10. Review status: criteria provided, single submitter. Criteria: ACMG Guidelines, 2015. Collection method: clinical testing. Allele origin: germline. Affected: no.

Genome-Nilou Lab
Classification: Benign for Tibial muscular dystrophy. Last evaluated: 2021-09-10. Review status: criteria provided, single submitter. Criteria: ACMG Guidelines, 2015. Collection method: clinical testing. Allele origin: germline. Affected: no.

ARUP Laboratories, Molecular Genetics and Genomics, ARUP Laboratories
Classification: Likely benign. Last evaluated: 2021-07-10. Review status: criteria provided, single submitter. Criteria: ARUP Molecular Germline Variant Investigation Process 2021. Collection method: clinical testing. Allele origin: germline.

Athena Diagnostics
Classification: Benign. Last evaluated: 2016-10-28. Review status: criteria provided, single submitter. Criteria: Athena Diagnostics Criteria. Collection method: clinical testing. Allele origin: germline.

Eurofins Ntd Llc (ga)
Classification: Likely benign. Last evaluated: 2015-08-21. Review status: criteria provided, single submitter. Criteria: EGL Classification Definitions 2015. Collection method: clinical testing. Allele origin: germline. Observed: 2 variant alleles, 2 heterozygotes.

GeneDx
Classification: Benign. Last evaluated: 2015-08-14. Review status: criteria provided, single submitter. Criteria: GeneDx Variant Classification (06012015). Collection method: clinical testing. Allele origin: germline. Affected: yes.
Comment: This variant is considered likely benign or benign based on one or more of the following criteria: it is a conservative change, it occurs at a poorly conserved position in the protein, it is predicted to be benign by multiple in silico algorithms, and/or has population frequency not consistent with disease.

Laboratory for Molecular Medicine, Mass General Brigham Personalized Medicine
Classification: Likely benign. Last evaluated: 2012-01-24. Review status: criteria provided, single submitter. Criteria: LMM Criteria. Collection method: clinical testing. Allele origin: germline. Observed: 4 variant alleles.
Comment: c.12323-9A>C in intron 51 of TTN: This variant is not expected to have clinical significance because has been identified in 0.4% (12/3172) of African American c hromosomes by the NHLBI Exome Sequencing Project in a broad population.

NM_001267550.2(TTN):c.16055-9A>C

Gene: TTN (titin; minus strand). Cytogenetic location: 2q31.2.
Variant type: single nucleotide variant.
Coding change: c.16055-9A>C on transcript NM_001267550.2 (MANE Select); 9 bases into the intron before coding-DNA position 16055, A replaced by C.
Molecular consequence: intron variant.
Genome position (GRCh38, 1-based): chr2:178,733,130, T>G on the plus strand (A>C on the coding strand, the complement: TTN is on the minus strand). VCF-style: chr2-178733130-T-G. GRCh37 (hg19) VCF-style: chr2-179597857-T-G.
Other names: c.13282+4952A>C (NM_003319.4); c.13858+4952A>C (NM_133437.4); c.13657+4952A>C (NM_133432.3); c.12323-9A>C (NM_133378.4); c.15104-9A>C (NM_001256850.1).
Identifiers: ClinVar variation 46611 (VCV000046611.32), dbSNP rs368897883, ClinGen allele CA138758.